The following is an entry in ClinVar:

ClinVar aggregate classification (germline): Uncertain significance (1 of 4 stars; one submission).

Allele frequency attached by ClinVar (database versions not stated): gnomAD exomes below 0.00001; TOPMed below 0.00001; ExAC 0.00001; gnomAD 0.00001.
gnomAD v4.1: 5 of 1,604,306 alleles (0.00031%); highest among the groups gnomAD compares: African/African-American, 0.0013%; no homozygotes.

Submission:

Labcorp Genetics (formerly Invitae), Labcorp
Classification: Uncertain significance. Last evaluated: 2023-03-21. Review status: criteria provided, single submitter. Criteria: Invitae Variant Classification Sherloc (09022015). Collection method: clinical testing. Allele origin: germline.
Comment: This variant has not been reported in the literature in individuals affected with ANKZF1-related conditions. Algorithms developed to predict the effect of sequence changes on RNA splicing suggest that this variant may disrupt the consensus splice site. This variant is present in population databases (rs200877173, gnomAD 0.01%). This sequence change creates a premature translational stop signal (p.Gln337*) in the ANKZF1 gene. It is expected to result in an absent or disrupted protein product. However, the current clinical and genetic evidence is not sufficient to establish whether loss-of-function variants in ANKZF1 cause disease. In summary, the available evidence is currently insufficient to determine the role of this variant in disease. Therefore, it has been classified as a Variant of Uncertain Significance.

NM_018089.3(ANKZF1):c.1009C>T (p.Gln337Ter)

Gene: ANKZF1 (ankyrin repeat and zinc finger peptidyl tRNA hydrolase 1; plus strand). Cytogenetic location: 2q35.
Variant type: single nucleotide variant.
Coding change: c.1009C>T on transcript NM_018089.3 (MANE Select); coding-DNA position 1009, C replaced by T.
Protein change: p.Gln337Ter; replaces glutamine 337 with a stop codon.
Molecular consequence: nonsense.
Genome position (GRCh38, 1-based): chr2:219,233,904, C>T. VCF-style: chr2-219233904-C-T. GRCh37 (hg19) VCF-style: chr2-220098626-C-T.
Other names: c.1009C>T, p.Gln337Ter (NM_001042410.2); c.379C>T, p.Gln127Ter (NM_001282792.2); short protein forms Q337*, Q127*.
Identifiers: ClinVar variation 3008918 (VCV003008918.3), dbSNP rs200877173, ClinGen allele CA2120925.
Genomic context (GRCh38, chr2:219,233,904, plus strand): 5'-GGGGATCCCCGACTTTGGGATATCCCCCTCGCCACCCGCAGACCCACCTTCCAAGAGCTA[C>T]AGCGTGTGCTCCATAAGCTGACCACTTTGCATGTCTATGGTGAGCCTTTGCTCCAGATCC-3'